The following is an entry in ClinVar:

NM_001843.4(CNTN1):c.560G>A (p.Arg187Gln)

Gene: CNTN1 (contactin 1; plus strand). Cytogenetic location: 12q12.
Variant type: single nucleotide variant.
Coding change: c.560G>A on transcript NM_001843.4 (MANE Select); coding-DNA position 560, G replaced by A.
Protein change: p.Arg187Gln; replaces arginine 187 with glutamine.
Molecular consequence: missense variant.
Genome position (GRCh38, 1-based): chr12:40,929,859, G>A. VCF-style: chr12-40929859-G-A. GRCh37 (hg19) VCF-style: chr12-41323661-G-A.
Other names: c.560G>A, p.Arg187Gln (NM_001256063.2, NM_001256064.2); c.527G>A, p.Arg176Gln (NM_175038.2); short protein forms R187Q, R176Q.
Identifiers: ClinVar variation 451331 (VCV000451331.2), dbSNP rs4408370, ClinGen allele CA235395302.

ClinVar aggregate classification (germline): Uncertain significance (1 of 4 stars; one submission).

Allele frequency attached by ClinVar (database versions not stated): TOPMed 0.00002.
gnomAD v4.1: 8 of 1,612,676 alleles (0.0005%); highest among the groups gnomAD compares: Middle Eastern, 0.017%; no homozygotes.

Submission:

GeneDx
Classification: Uncertain significance. Last evaluated: 2017-08-14. Review status: criteria provided, single submitter. Criteria: GeneDx Variant Classification (06012015). Collection method: clinical testing. Allele origin: germline. Affected: yes.
Comment: The R187Q variant has not been published as a pathogenic variant, nor has it been reported as a benign variant to our knowledge. The R187Q variant is not observed in large population cohorts (Lek et al., 2016; 1000 Genomes Consortium et al., 2015; Exome Variant Server). This variant is a semi-conservative amino acid substitution, which may impact secondary protein structure as these residues differ in some properties. This substitution occurs at a position that is conserved across species, and in silico analysis predicts this variant is probably damaging to the protein structure/function. However, missense variants in nearby residues have not been reported in the Human Gene Mutation Database in association with CNTN1-related disorders (Stenson et al., 2014).